The following is an entry in ClinVar:

ClinVar aggregate classification (germline): Likely pathogenic (1 of 4 stars; one submission).

Conditions:
Houge-Janssens syndrome 3. Also called: NEURODEVELOPMENTAL DISORDER AND LANGUAGE DELAY WITH OR WITHOUT STRUCTURAL BRAIN ABNORMALITIES. Identifiers: MedGen C5193048, MONDO:0032697, OMIM 618354.

Submission:

Baylor Genetics
Classification: Likely pathogenic for Houge-Janssens syndrome 3. Last evaluated: 2020-02-17. Review status: criteria provided, single submitter. Criteria: ACMG Guidelines, 2015. Collection method: clinical testing. Allele origin: unknown. Affected: yes.
Comment: This variant was determined to be likely pathogenic according to ACMG Guidelines, 2015 [PMID:25741868].

NM_002715.4(PPP2CA):c.373C>A (p.Gln125Lys)

Gene: PPP2CA (protein phosphatase 2 catalytic subunit alpha; minus strand). Cytogenetic location: 5q31.1.
Variant type: single nucleotide variant.
Coding change: c.373C>A on transcript NM_002715.4 (MANE Select); coding-DNA position 373, C replaced by A.
Protein change: p.Gln125Lys; replaces glutamine 125 with lysine.
Molecular consequence: missense variant. On other transcripts: non-coding transcript variant (1).
Genome position (GRCh38, 1-based): chr5:134,201,961, G>T on the plus strand (C>A on the coding strand, the complement: PPP2CA is on the minus strand). VCF-style: chr5-134201961-G-T. GRCh37 (hg19) VCF-style: chr5-133537652-G-T.
Other names: c.178C>A, p.Gln60Lys (NM_001355019.2); short protein forms Q60K, Q125K.
Identifiers: ClinVar variation 1028042 (VCV001028042.1), dbSNP rs1561734790, ClinGen allele CA360993155.